The following is an entry in ClinVar:

ClinVar aggregate classification (germline): Uncertain significance (1 of 4 stars; one submission).

Conditions:
Leukoencephalopathy with vanishing white matter 2 (VWM2). Also called: EIF2B2-Related Childhood Ataxia with Central Nervous System Hypomyelination/Vanishing White Matter; Leukoencephalopathy with vanishing white matter 2, with or without ovarian failure. Identifiers: MedGen C5830404, MONDO:0957870, OMIM 620312.

Submission:

Juno Genomics, Hangzhou Juno Genomics, Inc
Classification: Uncertain significance for Leukoencephalopathy with vanishing white matter 2. Review status: criteria provided, single submitter. Criteria: ACMG Guidelines, 2015. Collection method: clinical testing. Allele origin: germline.
Comment: Absent from controls (or at extremely low frequency if recessive) in Genome Aggregation Database.;Multiple lines of computational evidence support a deleterious effect on the gene or gene product.

NM_014239.4(EIF2B2):c.241A>T (p.Met81Leu)

Gene: EIF2B2 (eukaryotic translation initiation factor 2B subunit beta; plus strand). Cytogenetic location: 14q24.3.
Variant type: single nucleotide variant.
Coding change: c.241A>T on transcript NM_014239.4 (MANE Select); coding-DNA position 241, A replaced by T.
Protein change: p.Met81Leu; replaces methionine 81 with leucine.
Molecular consequence: missense variant.
Genome position (GRCh38, 1-based): chr14:75,003,352, A>T. VCF-style: chr14-75003352-A-T. GRCh37 (hg19) VCF-style: chr14-75470055-A-T.
Other names: short protein forms M81L.
Identifiers: ClinVar variation 5019446 (VCV005019446.2).
Genomic context (GRCh38, chr14:75,003,352, plus strand): 5'-ATCCGCAGAGAGGGCAGGAGGATGACGGCCGCTCAGCCCTCCGAGACCACCGTGGGCAAC[A>T]TGGTGCGGAGAGTGCTCAAGATTATCCGGGAGGAGTATGGCAGGTCAGGCTCACGTCCTG-3'
Protein context (NP_055054.1, residues 71-91): AQPSETTVGN[Met81Leu]VRRVLKIIRE